The following is an entry in ClinVar:

NM_001376.5(DYNC1H1):c.9865G>A (p.Val3289Ile)

Gene: DYNC1H1 (dynein cytoplasmic 1 heavy chain 1; plus strand). Cytogenetic location: 14q32.31.
Variant type: single nucleotide variant.
Coding change: c.9865G>A on transcript NM_001376.5 (MANE Select); coding-DNA position 9865, G replaced by A.
Protein change: p.Val3289Ile; replaces valine 3289 with isoleucine.
Molecular consequence: missense variant.
Genome position (GRCh38, 1-based): chr14:102,030,264, G>A. VCF-style: chr14-102030264-G-A. GRCh37 (hg19) VCF-style: chr14-102496601-G-A.
Other names: short protein forms V3289I.
Identifiers: ClinVar variation 2905179 (VCV002905179.3), dbSNP rs2503813411, ClinGen allele CA391018556.

ClinVar aggregate classification (germline): Uncertain significance (1 of 4 stars; one submission).

Conditions:
Charcot-Marie-Tooth disease axonal type 2O. Also called: CHARCOT-MARIE-TOOTH NEUROPATHY, AXONAL, TYPE 2O; CHARCOT-MARIE-TOOTH DISEASE, AXONAL, AUTOSOMAL DOMINANT, TYPE 2O; Charcot-Marie-Tooth Neuropathy Type 2O; Charcot-Marie-Tooth disease, axonal, type 20. Identifiers: Orphanet 284232, MedGen C3280220, MONDO:0013644, OMIM 614228.

Allele frequency attached by ClinVar (database versions not stated): gnomAD exomes below 0.00001.
gnomAD v4.1: 2 of 1,614,138 alleles (0.00012%); highest among the groups gnomAD compares: Non-Finnish European, 0.00017%; no homozygotes.

Submission:

Labcorp Genetics (formerly Invitae), Labcorp
Classification: Uncertain significance for Charcot-Marie-Tooth disease axonal type 2O. Last evaluated: 2023-12-23. Review status: criteria provided, single submitter. Criteria: Invitae Variant Classification Sherloc (09022015). Collection method: clinical testing. Allele origin: germline.
Comment: This sequence change replaces valine, which is neutral and non-polar, with isoleucine, which is neutral and non-polar, at codon 3289 of the DYNC1H1 protein (p.Val3289Ile). This variant is not present in population databases (gnomAD no frequency). This variant has not been reported in the literature in individuals affected with DYNC1H1-related conditions. Advanced modeling of protein sequence and biophysical properties (such as structural, functional, and spatial information, amino acid conservation, physicochemical variation, residue mobility, and thermodynamic stability) has been performed at Invitae for this missense variant, however the output from this modeling did not meet the statistical confidence thresholds required to predict the impact of this variant on DYNC1H1 protein function. In summary, the available evidence is currently insufficient to determine the role of this variant in disease. Therefore, it has been classified as a Variant of Uncertain Significance.